The following is an entry in ClinVar:

NM_004698.4(PRPF3):c.1386A>T (p.Glu462Asp)

Gene: PRPF3 (pre-mRNA processing factor 3; plus strand). Cytogenetic location: 1q21.2.
Variant type: single nucleotide variant.
Coding change: c.1386A>T on transcript NM_004698.4 (MANE Select); coding-DNA position 1386, A replaced by T.
Protein change: p.Glu462Asp; replaces glutamic acid 462 with aspartic acid.
Molecular consequence: missense variant. On other transcripts: non-coding transcript variant (4).
Genome position (GRCh38, 1-based): chr1:150,343,412, A>T. VCF-style: chr1-150343412-A-T. GRCh37 (hg19) VCF-style: chr1-150315888-A-T.
Other names: c.981A>T, p.Glu327Asp (NM_001350529.1); short protein forms E327D, E462D.
Identifiers: ClinVar variation 4709849 (VCV004709849.1).

ClinVar aggregate classification (germline): Uncertain significance (1 of 4 stars; one submission).

Submission:

Labcorp Genetics (formerly Invitae), Labcorp
Classification: Uncertain significance. Last evaluated: 2025-06-23. Review status: criteria provided, single submitter. Criteria: Invitae Variant Classification Sherloc (09022015). Collection method: clinical testing. Allele origin: germline.
Comment: This sequence change replaces glutamic acid, which is acidic and polar, with aspartic acid, which is acidic and polar, at codon 462 of the PRPF3 protein (p.Glu462Asp). This variant is not present in population databases (gnomAD no frequency). This variant has not been reported in the literature in individuals affected with PRPF3-related conditions. Invitae Evidence Modeling of protein sequence and biophysical properties (such as structural, functional, and spatial information, amino acid conservation, physicochemical variation, residue mobility, and thermodynamic stability) has been performed for this missense variant. However, the output from this modeling did not meet the statistical confidence thresholds required to predict the impact of this variant on PRPF3 protein function. In summary, the available evidence is currently insufficient to determine the role of this variant in disease. Therefore, it has been classified as a Variant of Uncertain Significance.